The following is an entry in ClinVar:

NM_005026.5(PIK3CD):c.1521+5G>A

Gene: PIK3CD (phosphatidylinositol-4,5-bisphosphate 3-kinase catalytic subunit delta; plus strand). Cytogenetic location: 1p36.22.
Variant type: single nucleotide variant.
Coding change: c.1521+5G>A on transcript NM_005026.5 (MANE Select); 5 bases into the intron after coding-DNA position 1521, G replaced by A.
Molecular consequence: intron variant.
Genome position (GRCh38, 1-based): chr1:9,720,666, G>A. VCF-style: chr1-9720666-G-A. GRCh37 (hg19) VCF-style: chr1-9780724-G-A.
Other names: c.1521+5G>A (NM_001350234.2); c.1434+5G>A (NM_001350235.1).
Identifiers: ClinVar variation 2804097 (VCV002804097.3), dbSNP rs2525025079, ClinGen allele CA2643145230.
Genomic context (GRCh38, chr1:9,720,666, plus strand): 5'-TGCAGATCTTGGAGCTGGGGCGACACAGCGAGTGTGTGCATGTCACCGAGGAGGAGGTGA[G>A]TGGGGTGGGGGTGTGGGGTGGGGGGCATGGAGCCGGCGTGGAACCAGAGCCCTCACTCCT-3'

ClinVar aggregate classification (germline): Uncertain significance (1 of 4 stars; one submission).

Conditions:
Immunodeficiency 14 (IMD14A). Also called: p110-DELTA-ACTIVATING MUTATION CAUSING SENESCENT T CELLS, LYMPHADENOPATHY, AND IMMUNODEFICIENCY; IMMUNODEFICIENCY 14A WITH LYMPHOPROLIFERATION, AUTOSOMAL DOMINANT; ACTIVATED PI3K-DELTA SYNDROME 1; Activated PI3K Delta Syndrome Type 1 (APDS1). Identifiers: Orphanet 397596, Orphanet 693661, MedGen C5907821, MONDO:0014222, OMIM 615513.

Allele frequency attached by ClinVar (database versions not stated): gnomAD exomes below 0.00001.
gnomAD v4.1: 1 of 1,539,492 alleles (0.000065%); highest among the groups gnomAD compares: Non-Finnish European, 0.000087%; no homozygotes.

Submission:

Labcorp Genetics (formerly Invitae), Labcorp
Classification: Uncertain significance for Activated PI3K-delta syndrome. Last evaluated: 2023-03-09. Review status: criteria provided, single submitter. Criteria: Invitae Variant Classification Sherloc (09022015). Collection method: clinical testing. Allele origin: germline.
Comment: Variants that disrupt the consensus splice site are a relatively common cause of aberrant splicing (PMID: 17576681, 9536098). Algorithms developed to predict the effect of sequence changes on RNA splicing suggest that this variant may disrupt the consensus splice site. In summary, the available evidence is currently insufficient to determine the role of this variant in disease. Therefore, it has been classified as a Variant of Uncertain Significance. This variant has not been reported in the literature in individuals affected with PIK3CD-related conditions. This sequence change falls in intron 12 of the PIK3CD gene. It does not directly change the encoded amino acid sequence of the PIK3CD protein. It affects a nucleotide within the consensus splice site. This variant is not present in population databases (gnomAD no frequency).

Literature cited by the submitters: PubMed 17576681; PubMed 9536098.